The following is an entry in ClinVar:

ClinVar aggregate classification (germline): Pathogenic (1 of 4 stars; one submission).

Submission:

Labcorp Genetics (formerly Invitae), Labcorp
Classification: Pathogenic. Last evaluated: 2023-11-24. Review status: criteria provided, single submitter. Criteria: Invitae Variant Classification Sherloc (09022015). Collection method: clinical testing. Allele origin: unknown.
Comment: This variant is a gross deletion of the genomic region encompassing exon(s) 1 of the SLC38A8 gene, which includes the initiator codon. This deletion extends beyond the assayed region for this gene and therefore may encompass additional genes. It is expected to result in an absent or disrupted protein product. Loss-of-function variants in SLC38A8 are known to be pathogenic (PMID: 24290379). This variant has not been reported in the literature in individuals affected with SLC38A8-related conditions. For these reasons, this variant has been classified as Pathogenic.

Literature cited by the submitters: PubMed 24290379.

NC_000016.9:g.(?_84075554)_(84075762_?)del

Gene: SLC38A8 (solute carrier family 38 member 8; minus strand). Cytogenetic location: 16q23.3.
Variant type: Deletion.
Identifiers: ClinVar variation 3243590 (VCV003243590.1).